The following is an entry in ClinVar:

NM_006269.2(RP1):c.4359C>A (p.Asn1453Lys)

Gene: RP1 (RP1 axonemal microtubule associated; plus strand). Cytogenetic location: 8q12.1.
Variant type: single nucleotide variant.
Coding change: c.4359C>A on transcript NM_006269.2 (MANE Select); coding-DNA position 4359, C replaced by A.
Protein change: p.Asn1453Lys; replaces asparagine 1453 with lysine.
Molecular consequence: missense variant. On other transcripts: intron variant (1).
Genome position (GRCh38, 1-based): chr8:54,628,241, C>A. VCF-style: chr8-54628241-C-A. GRCh37 (hg19) VCF-style: chr8-55540801-C-A.
Other names: c.787+5953C>A (NM_001375654.1); short protein forms N1453K.
Identifiers: ClinVar variation 3662795 (VCV003662795.2).

ClinVar aggregate classification (germline): Uncertain significance (1 of 4 stars; one submission).

gnomAD v4.1: 2 of 1,613,960 alleles (0.00012%); highest among the groups gnomAD compares: East Asian, 0.0045%; no homozygotes.

Submission:

Labcorp Genetics (formerly Invitae), Labcorp
Classification: Uncertain significance. Last evaluated: 2024-08-19. Review status: criteria provided, single submitter. Criteria: Invitae Variant Classification Sherloc (09022015). Collection method: clinical testing. Allele origin: germline.
Comment: This sequence change replaces asparagine, which is neutral and polar, with lysine, which is basic and polar, at codon 1453 of the RP1 protein (p.Asn1453Lys). This variant is present in population databases (no rsID available, gnomAD 0.01%). This variant has not been reported in the literature in individuals affected with RP1-related conditions. An algorithm developed to predict the effect of missense changes on protein structure and function (PolyPhen-2) suggests that this variant is likely to be tolerated. In summary, the available evidence is currently insufficient to determine the role of this variant in disease. Therefore, it has been classified as a Variant of Uncertain Significance.